The following is an entry in ClinVar:

NM_005918.4(MDH2):c.899A>G (p.Glu300Gly)

Gene: MDH2 (malate dehydrogenase 2; plus strand). Cytogenetic location: 7q11.23.
Variant type: single nucleotide variant.
Coding change: c.899A>G on transcript NM_005918.4 (MANE Select); coding-DNA position 899, A replaced by G.
Protein change: p.Glu300Gly; replaces glutamic acid 300 with glycine.
Molecular consequence: missense variant.
Genome position (GRCh38, 1-based): chr7:76,066,292, A>G. VCF-style: chr7-76066292-A-G. GRCh37 (hg19) VCF-style: chr7-75695610-A-G.
Other names: c.773A>G, p.Glu258Gly (NM_001282403.2); c.578A>G, p.Glu193Gly (NM_001282404.2); c.899A>G (NM_005918.2); short protein forms E193G, E258G, E300G.
Identifiers: ClinVar variation 1098585 (VCV001098585.3), dbSNP rs2116708081, ClinGen allele CA367769644.

ClinVar aggregate classification (germline): Uncertain significance. Review status: criteria provided, multiple submitters, no conflicts (2 of 4 stars). 2 submissions from 2 submitters: Uncertain significance (2). Last evaluated 2021-12-01.

Conditions:
Developmental and epileptic encephalopathy, 51 (DEE51). Also called: Epileptic encephalopathy, early infantile, 51. Identifiers: MedGen C4479208, MONDO:0015025, OMIM 617339.
Inborn genetic diseases. Identifiers: MedGen C0950123, MeSH D030342.

Submissions (2):

Ambry Genetics
Classification: Uncertain significance for Inborn genetic diseases. Last evaluated: 2021-12-01. Review status: criteria provided, single submitter. Criteria: Ambry Variant Classification Scheme 2023. Collection method: clinical testing. Allele origin: germline.
Comment: The p.E300G variant (also known as c.899A>G), located in coding exon 9 of the MDH2 gene, results from an A to G substitution at nucleotide position 899. The glutamic acid at codon 300 is replaced by glycine, an amino acid with similar properties. This amino acid position is conserved. In addition, this alteration is predicted to be deleterious by in silico analysis. Since supporting evidence is limited at this time, the clinical significance of this alteration remains unclear.

New York Genome Center
Classification: Uncertain significance for Developmental and epileptic encephalopathy, 51. Last evaluated: 2020-05-29. Review status: criteria provided, single submitter. Criteria: NYGC Assertion Criteria 2020. Collection method: clinical testing. Allele origin: inherited. Observed: 1 heterozygote. Study: CSER-NYCKidSeq.